The following is an entry in ClinVar:

ClinVar aggregate classification (germline): Conflicting classifications of pathogenicity. Review status: criteria provided, conflicting classifications (1 of 4 stars). 9 submissions from 9 submitters: Uncertain significance (6); Likely benign (1). 2 of the submissions do not count toward it. Last evaluated 2025-10-27.

Conditions:
Hereditary cancer-predisposing syndrome. Also called: Tumor predisposition; Neoplastic Syndromes, Hereditary; Hereditary neoplastic syndrome; Hereditary Cancer Syndrome. Identifiers: Orphanet 140162, MedGen C0027672, MeSH D009386, MONDO:0015356.
Hereditary breast ovarian cancer syndrome. Also called: Hereditary breast and ovarian cancer; BRCA1- and BRCA2-Associated Hereditary Breast and Ovarian Cancer; Hereditary breast and/or ovarian cancer syndrome; Hereditary breast and ovarian cancer syndrome; Breast and ovarian cancer; Hereditary breast and ovarian cancer syndrome (HBOC). Identifiers: Orphanet 145, MedGen C0677776, MeSH D061325, MONDO:0003582. Disease mechanism: loss of function.

Allele frequency attached by ClinVar (database versions not stated): gnomAD exomes below 0.00001; gnomAD 0.00001.
gnomAD v4.1: 6 of 1,613,606 alleles (0.00037%); highest among the groups gnomAD compares: Non-Finnish European, 0.00051%; no homozygotes.

Submissions (9):

Labcorp Genetics (formerly Invitae), Labcorp
Classification: Uncertain significance for Hereditary breast ovarian cancer syndrome. Last evaluated: 2025-10-27. Review status: criteria provided, single submitter. Criteria: Invitae Variant Classification Sherloc (09022015). Collection method: clinical testing. Allele origin: germline.
Comment: This sequence change replaces lysine, which is basic and polar, with glutamine, which is neutral and polar, at codon 519 of the BRCA1 protein (p.Lys519Gln). This variant is present in population databases (rs397508882, gnomAD 0.007%). This missense change has been observed in individual(s) with clinical features of BRCA1-related conditions (PMID: 21520333). ClinVar contains an entry for this variant (Variation ID: 54290). Invitae Evidence Modeling of protein sequence and biophysical properties (such as structural, functional, and spatial information, amino acid conservation, physicochemical variation, residue mobility, and thermodynamic stability) indicates that this missense variant is expected to disrupt BRCA1 protein function with a positive predictive value of 80%. Experimental studies have shown that this missense change does not substantially affect BRCA1 function (PMID: 32546644). In summary, the available evidence is currently insufficient to determine the role of this variant in disease. Therefore, it has been classified as a Variant of Uncertain Significance.

Ambry Genetics
Classification: Uncertain significance for Hereditary cancer-predisposing syndrome. Last evaluated: 2025-04-21. Review status: criteria provided, single submitter. Criteria: Ambry Variant Classification Scheme 2023. Collection method: clinical testing. Allele origin: germline.
Comment: The p.K519Q variant (also known as c.1555A>C), located in coding exon 9 of the BRCA1 gene, results from an A to C substitution at nucleotide position 1555. The lysine at codon 519 is replaced by glutamine, an amino acid with similar properties. This variant was reported as a mutation in a French study that used qPCR-HRM to screen for point mutations and large rearrangements in BRCA1 and BRCA2; however no clinical or other supporting information was provided (Coulet F et al. Genet Test Mol Biomarkers. 2010 Oct;14:677-90). This variant was categorized as neutral based on results from a homologous recombination DNA repair (HRR) assay (Bouwman P et al. Clin Cancer Res, 2020 Sep;26:4559-4568). This amino acid position is highly conserved in available vertebrate species. In addition, this alteration is predicted to be deleterious by in silico analysis. Based on the available evidence, the clinical significance of this alteration remains unclear.

University of Washington Department of Laboratory Medicine, University of Washington
Classification: Likely benign for Hereditary cancer-predisposing syndrome. Last evaluated: 2023-03-23. Review status: criteria provided, single submitter. Criteria: Dines et al. (Genet Med. 2020). Collection method: curation. Allele origin: germline.
Comment: Missense variant in a coldspot region where missense variants are very unlikely to be pathogenic (PMID:31911673).

BRCA1 coldspot (exon 11 using historical exon numbering). Reclassification based on statistical prior probability

Blueprint Genetics
Classification: Uncertain significance. Last evaluated: 2021-01-05. Review status: criteria provided, single submitter. Criteria: ACMG Guidelines, 2015. Collection method: clinical testing. Allele origin: germline.

Women's Health and Genetics/Laboratory Corporation of America, LabCorp
Classification: Uncertain significance. Last evaluated: 2019-07-05. Review status: criteria provided, single submitter. Criteria: LabCorp Variant Classification Summary - May 2015. Collection method: clinical testing. Allele origin: germline.
Comment: Variant summary: BRCA1 c.1555A>C (p.Lys519Gln) results in a conservative amino acid change in the encoded protein sequence. Three of five in-silico tools predict a damaging effect of the variant on protein function. The variant was absent in 250278 control chromosomes. The available data on variant occurrences in the general population are insufficient to allow any conclusion about variant significance. c.1555A>C has been reported in the literature in individuals affected with Hereditary Breast and Ovarian Cancer (Coulet_2010). These report(s) do not provide unequivocal conclusions about association of the variant with Hereditary Breast and Ovarian Cancer. To our knowledge, no experimental evidence demonstrating an impact on protein function has been reported. Two clinical diagnostic laboratories have submitted clinical-significance assessments for this variant to ClinVar after 2014 without evidence for independent evaluation. All laboratories classified the variant as uncertain significance. Based on the evidence outlined above, the variant was classified as uncertain significance.

Color Diagnostics, LLC DBA Color Health
Classification: Uncertain significance for Hereditary cancer-predisposing syndrome. Last evaluated: 2019-05-16. Review status: criteria provided, single submitter. Criteria: ACMG Guidelines, 2015. Collection method: clinical testing. Allele origin: germline.

GeneDx
Classification: Uncertain significance. Last evaluated: 2018-10-01. Review status: criteria provided, single submitter. Criteria: GeneDx Variant Classification (06012015). Collection method: clinical testing. Allele origin: germline. Affected: yes.
Comment: This variant is denoted BRCA1 c.1555A>C at the cDNA level, p.Lys519Gln (K519Q) at the protein level, and results in the change of a Lysine to a Glutamine (AAG>CAG). This variant was observed in at least one individual that underwent BRCA1 and BRCA2 testing (Coulet 2010). BRCA1 Lys519Gln was not observed in approximately 6,500 individuals of European and African American ancestry in the NHLBI Exome Sequencing Project, indicating it is not a common benign variant in these populations. Since Lysine and Glutamine differ in some properties, this is considered a semi-conservative amino acid substitution. BRCA1 Lys519Gln occurs at a position that is highly conserved in mammals and is located in a DNA-binding domain (Narod 2004). In silico analyses predict that this variant is probably damaging to protein structure and function. Based on currently available information, it is unclear whether BRCA1 Lys519Gln is pathogenic or benign. We consider it to be a variant of uncertain significance.

Diagnostic Laboratory, Department of Genetics, University Medical Center Groningen
Classification: Uncertain significance. Review status: no assertion criteria provided. Collection method: clinical testing. Allele origin: germline. Affected: yes. Study: VKGL Data-share Consensus. Not counted in ClinVar's aggregate classification.

Joint Genome Diagnostic Labs from Nijmegen and Maastricht, Radboudumc and MUMC+
Classification: Uncertain significance. Review status: no assertion criteria provided. Collection method: clinical testing. Allele origin: germline. Affected: yes. Study: VKGL Data-share Consensus. Not counted in ClinVar's aggregate classification.

Literature cited by the submitters: PubMed 21520333 (cited by Labcorp Genetics (formerly Invitae), Labcorp); PubMed 32546644 (cited by Labcorp Genetics (formerly Invitae), Labcorp and Ambry Genetics); PubMed 20858050 (cited by Ambry Genetics and Women's Health and Genetics/Laboratory Corporation of America, LabCorp).

NM_007294.4(BRCA1):c.1555A>C (p.Lys519Gln)

Gene: BRCA1 (BRCA1 DNA repair associated; minus strand). Cytogenetic location: 17q21.31.
Variant type: single nucleotide variant.
Coding change: c.1555A>C on transcript NM_007294.4 (MANE Select); coding-DNA position 1555, A replaced by C.
Protein change: p.Lys519Gln; replaces lysine 519 with glutamine.
Molecular consequence: missense variant. On other transcripts: intron variant (137).
Genome position (GRCh38, 1-based): chr17:43,093,976, T>G on the plus strand (A>C on the coding strand, the complement: BRCA1 is on the minus strand). VCF-style: chr17-43093976-T-G. GRCh37 (hg19) VCF-style: chr17-41245993-T-G.
Other names: c.574+768A>C (NM_001408490.1, NM_001408491.1, NM_001408493.1); c.454+768A>C (NM_001408502.1); c.577+768A>C (NM_001408489.1, NM_001408479.1, NM_001408482.1 and 9 more transcripts); c.661+768A>C (NM_001408445.1, NM_001408432.1, NM_001408450.1 and 6 more transcripts); c.667+1870A>C (NM_001408431.1, NM_001408424.1, NM_001408421.1); c.784+768A>C (NM_001408407.1, NM_001408402.1, NM_001408473.1 and 13 more transcripts); c.664+768A>C (NM_001408443.1, NM_001408439.1, NM_001408425.1 and 12 more transcripts); c.670+1870A>C (NM_001408419.1, NM_001408422.1, NM_001408418.1 and 2 more transcripts); and 40 more; short protein forms K519Q, K472Q, K408Q, K448Q, K449Q, K471Q, K478Q, K351Q.
Identifiers: ClinVar variation 54290 (VCV000054290.22), dbSNP rs397508882, ClinGen allele CA001041.